The following is an entry in ClinVar:

ClinVar aggregate classification (germline): Pathogenic/Likely pathogenic. Review status: criteria provided, multiple submitters, no conflicts (2 of 4 stars). 4 submissions from 4 submitters: Pathogenic (1); Likely pathogenic (2). 1 of the submissions does not count toward it. Last evaluated 2024-04-09.

Conditions:
Carnitine palmitoyl transferase 1A deficiency. Also called: CPT deficiency, hepatic, type IA; CPT I DEFICIENCY; CPT DEFICIENCY, HEPATIC, TYPE I; Carnitine palmitoyltransferase type I deficiency; Carnitine palmitoyltransferase 1A deficiency. Identifiers: Orphanet 156, MedGen C1829703, MONDO:0009705, OMIM 255120.

Submissions (4):

Fulgent Genetics
Classification: Likely pathogenic for Carnitine palmitoyl transferase 1A deficiency. Last evaluated: 2024-04-09. Review status: criteria provided, single submitter. Criteria: ACMG Guidelines, 2015. Collection method: clinical testing. Allele origin: germline.

Baylor Genetics
Classification: Likely pathogenic for Carnitine palmitoyl transferase 1A deficiency. Last evaluated: 2023-09-20. Review status: criteria provided, single submitter. Criteria: ACMG Guidelines, 2015. Collection method: clinical testing. Allele origin: unknown.

Labcorp Genetics (formerly Invitae), Labcorp
Classification: Pathogenic for Carnitine palmitoyl transferase 1A deficiency. Last evaluated: 2023-03-07. Review status: criteria provided, single submitter. Criteria: Invitae Variant Classification Sherloc (09022015). Collection method: clinical testing. Allele origin: germline.
Comment: For these reasons, this variant has been classified as Pathogenic. Algorithms developed to predict the effect of sequence changes on RNA splicing suggest that this variant may disrupt the consensus splice site. ClinVar contains an entry for this variant (Variation ID: 550014). Disruption of this splice site has been observed in individuals with carnitine palmitoyltransferase 1A deficiency (PMID: 27066452; Invitae). This variant is not present in population databases (gnomAD no frequency). This sequence change affects a donor splice site in intron 10 of the CPT1A gene. It is expected to disrupt RNA splicing. Variants that disrupt the donor or acceptor splice site typically lead to a loss of protein function (PMID: 16199547), and loss-of-function variants in CPT1A are known to be pathogenic (PMID: 16169268).

Counsyl
Classification: Likely pathogenic for Carnitine palmitoyl transferase 1A deficiency. Last evaluated: 2017-04-21. Review status: no assertion criteria provided. Collection method: clinical testing. Allele origin: unknown. Not counted in ClinVar's aggregate classification.

Literature cited by the submitters: PubMed 27066452 (cited by Labcorp Genetics (formerly Invitae), Labcorp); PubMed 16199547 (cited by Labcorp Genetics (formerly Invitae), Labcorp); PubMed 16169268 (cited by Labcorp Genetics (formerly Invitae), Labcorp).

NM_001876.4(CPT1A):c.1163+2T>C

Gene: CPT1A (carnitine palmitoyltransferase 1A; minus strand). Cytogenetic location: 11q13.3.
Variant type: single nucleotide variant.
Coding change: c.1163+2T>C on transcript NM_001876.4 (MANE Select); the canonical splice donor site of the intron after coding-DNA position 1163, T replaced by C.
Molecular consequence: splice donor variant.
Genome position (GRCh38, 1-based): chr11:68,784,813, A>G on the plus strand (T>C on the coding strand, the complement: CPT1A is on the minus strand). VCF-style: chr11-68784813-A-G. GRCh37 (hg19) VCF-style: chr11-68552281-A-G.
Other names: c.1163+2T>C (NM_001031847.3).
Identifiers: ClinVar variation 550014 (VCV000550014.7), dbSNP rs1555229059, ClinGen allele CA381632577.